The following is an entry in ClinVar:

ClinVar aggregate classification (germline): Benign. Review status: criteria provided, multiple submitters, no conflicts (2 of 4 stars). 2 submissions from 2 submitters: Benign (2). Last evaluated 2018-06-14.

Allele frequency attached by ClinVar (database versions not stated): TOPMed 0.06142; gnomAD 0.06806 and 0.07346; 1000 Genomes Project 30x 0.10556; 1000 Genomes Project 0.11322.
gnomAD v4.1: 11,171 of 152,238 alleles (7.3%); highest among the groups gnomAD compares: East Asian, 25%; 711 homozygotes.

Submissions (2):

GeneDx
Classification: Benign. Last evaluated: 2018-06-14. Review status: criteria provided, single submitter. Criteria: GeneDx Variant Classification (06012015). Collection method: clinical testing. Allele origin: germline. Affected: yes.
Comment: This variant is considered likely benign or benign based on one or more of the following criteria: it is a conservative change, it occurs at a poorly conserved position in the protein, it is predicted to be benign by multiple in silico algorithms, and/or has population frequency not consistent with disease.

Breakthrough Genomics
Classification: Benign. Review status: criteria provided, single submitter. Criteria: ACMG Guidelines, 2015. Collection method: not provided. Allele origin: germline. Inheritance: Autosomal recessive inheritance. Affected: yes.

NM_001698.3(AUH):c.843+188C>T

Gene: AUH (AU RNA binding methylglutaconyl-CoA hydratase; minus strand). Cytogenetic location: 9q22.31.
Variant type: single nucleotide variant.
Coding change: c.843+188C>T on transcript NM_001698.3 (MANE Select); 188 bases into the intron after coding-DNA position 843, C replaced by T.
Molecular consequence: intron variant.
Genome position (GRCh38, 1-based): chr9:91,220,617, G>A on the plus strand (C>T on the coding strand, the complement: AUH is on the minus strand). VCF-style: chr9-91220617-G-A. GRCh37 (hg19) VCF-style: chr9-93982899-G-A.
Other names: c.756+188C>T (NM_001306190.2); c.516+188C>T (NM_001351433.2, NM_001351431.2, NM_001351432.2).
Identifiers: ClinVar variation 669694 (VCV000669694.2), dbSNP rs2281922, ClinGen allele CA15587603.